The following is an entry in ClinVar:

NM_005026.5(PIK3CD):c.538C>T (p.Pro180Ser)

Gene: PIK3CD (phosphatidylinositol-4,5-bisphosphate 3-kinase catalytic subunit delta; plus strand). Cytogenetic location: 1p36.22.
Variant type: single nucleotide variant.
Coding change: c.538C>T on transcript NM_005026.5 (MANE Select); coding-DNA position 538, C replaced by T.
Protein change: p.Pro180Ser; replaces proline 180 with serine.
Molecular consequence: missense variant.
Genome position (GRCh38, 1-based): chr1:9,716,016, C>T. VCF-style: chr1-9716016-C-T. GRCh37 (hg19) VCF-style: chr1-9776074-C-T.
Other names: c.538C>T, p.Pro180Ser (NM_001350234.2, NM_001350235.1); short protein forms P180S.
Identifiers: ClinVar variation 3008186 (VCV003008186.3), dbSNP rs767838052, ClinGen allele CA338300839.
Genomic context (GRCh38, chr1:9,716,016, plus strand): 5'-GAGGCCTGGCTGCAGTACAGTTTCCCCCTGCAGCTGGAGCCCTCGGCTCAAACCTGGGGG[C>T]CTGGTACCCTGCGGCTCCCGAACCGGGCCCTTCTGGTCAACGTTAAGTTTGAGGGCAGCG-3'
Protein context (NP_005017.3, residues 170-190): QLEPSAQTWG[Pro180Ser]GTLRLPNRAL

ClinVar aggregate classification (germline): Uncertain significance (1 of 4 stars; one submission).

Conditions:
Immunodeficiency 14 (IMD14A). Also called: ACTIVATED PI3K-DELTA SYNDROME 1; p110-DELTA-ACTIVATING MUTATION CAUSING SENESCENT T CELLS, LYMPHADENOPATHY, AND IMMUNODEFICIENCY; Activated PI3K Delta Syndrome Type 1 (APDS1); IMMUNODEFICIENCY 14A WITH LYMPHOPROLIFERATION, AUTOSOMAL DOMINANT. Identifiers: Orphanet 397596, Orphanet 693661, MedGen C5907821, MONDO:0014222, OMIM 615513.

Submission:

Labcorp Genetics (formerly Invitae), Labcorp
Classification: Uncertain significance for Activated PI3K-delta syndrome. Last evaluated: 2022-12-10. Review status: criteria provided, single submitter. Criteria: Invitae Variant Classification Sherloc (09022015). Collection method: clinical testing. Allele origin: germline.
Comment: This sequence change replaces proline, which is neutral and non-polar, with serine, which is neutral and polar, at codon 180 of the PIK3CD protein (p.Pro180Ser). In summary, the available evidence is currently insufficient to determine the role of this variant in disease. Therefore, it has been classified as a Variant of Uncertain Significance. Advanced modeling of protein sequence and biophysical properties (such as structural, functional, and spatial information, amino acid conservation, physicochemical variation, residue mobility, and thermodynamic stability) performed at Invitae indicates that this missense variant is not expected to disrupt PIK3CD protein function. This variant has not been reported in the literature in individuals affected with PIK3CD-related conditions. This variant is not present in population databases (gnomAD no frequency).